The following is an entry in ClinVar:

ClinVar aggregate classification (germline): Likely pathogenic (1 of 4 stars; one submission).

Submission:

Labcorp Genetics (formerly Invitae), Labcorp
Classification: Likely pathogenic. Last evaluated: 2023-08-17. Review status: criteria provided, single submitter. Criteria: Invitae Variant Classification Sherloc (09022015). Collection method: clinical testing. Allele origin: germline.
Comment: This variant disrupts the triple helix domain of COL4A5. Glycine residues within the Gly-Xaa-Yaa repeats of the triple helix domain are required for the structure and stability of fibrillar collagens (PMID: 7695699, 8218237, 19344236). In COL4A5, missense variants at these glycine residues are significantly enriched in individuals with disease (PMID: 23720012, 27627812) compared to the general population (ExAC). Algorithms developed to predict the effect of sequence changes on RNA splicing suggest that this variant may disrupt the consensus splice site. Advanced modeling of protein sequence and biophysical properties (such as structural, functional, and spatial information, amino acid conservation, physicochemical variation, residue mobility, and thermodynamic stability) performed at Invitae indicates that this missense variant is expected to disrupt COL4A5 protein function. In summary, the currently available evidence indicates that the variant is pathogenic, but additional data are needed to prove that conclusively. Therefore, this variant has been classified as Likely Pathogenic. This missense change has been observed in individual(s) with Alport syndrome (Invitae). This variant is not present in population databases (gnomAD no frequency). This sequence change replaces glycine, which is neutral and non-polar, with arginine, which is basic and polar, at codon 793 of the COL4A5 protein (p.Gly793Arg).

Literature cited by the submitters: PubMed 7695699; PubMed 8218237; PubMed 19344236; PubMed 23720012; PubMed 27627812.

NM_033380.3(COL4A5):c.2377G>A (p.Gly793Arg)

Gene: COL4A5 (collagen type IV alpha 5 chain; plus strand). Cytogenetic location: Xq22.3.
Variant type: single nucleotide variant.
Coding change: c.2377G>A on transcript NM_033380.3 (MANE Select); coding-DNA position 2377, G replaced by A.
Protein change: p.Gly793Arg; replaces glycine 793 with arginine.
Molecular consequence: missense variant.
Genome position (GRCh38, 1-based): chrX:108,606,874, G>A. VCF-style: chrX-108606874-G-A. GRCh37 (hg19) VCF-style: chrX-107850104-G-A.
Other names: c.2377G>A, p.Gly793Arg (NM_000495.5); short protein forms G793R.
Identifiers: ClinVar variation 2752543 (VCV002752543.3), dbSNP rs2524347327, ClinGen allele CA413849202.